The following is an entry in ClinVar:

NM_001377540.1(SLMAP):c.543G>A (p.Met181Ile)

Gene: SLMAP (sarcolemma associated protein; plus strand). Cytogenetic location: 3p14.3.
Variant type: single nucleotide variant.
Coding change: c.543G>A on transcript NM_001377540.1 (MANE Select); coding-DNA position 543, G replaced by A.
Protein change: p.Met181Ile; replaces methionine 181 with isoleucine.
Molecular consequence: missense variant. On other transcripts: non-coding transcript variant (1).
Genome position (GRCh38, 1-based): chr3:57,857,756, G>A. VCF-style: chr3-57857756-G-A. GRCh37 (hg19) VCF-style: chr3-57843483-G-A.
Other names: c.543G>A, p.Met181Ile (NM_001304420.3, NM_001304421.2, NM_001377538.1 and 17 more transcripts); short protein forms M181I.
Identifiers: ClinVar variation 4755221 (VCV004755221.1).

ClinVar aggregate classification (germline): Uncertain significance (1 of 4 stars; one submission).

Conditions:
Brugada syndrome. Also called: Sudden unexplained nocturnal death syndrome; Sudden Unexplained Death Syndrome; Sudden Unexplained Nocturnal Death Syndrome (SUNDS); Sudden unexpected nocturnal death syndrome. Identifiers: Orphanet 130, MedGen C1142166, MONDO:0015263.

Submission:

Labcorp Genetics (formerly Invitae), Labcorp
Classification: Uncertain significance for Brugada syndrome. Last evaluated: 2025-06-02. Review status: criteria provided, single submitter. Criteria: Invitae Variant Classification Sherloc (09022015). Collection method: clinical testing. Allele origin: germline.
Comment: This sequence change replaces methionine, which is neutral and non-polar, with isoleucine, which is neutral and non-polar, at codon 181 of the SLMAP protein (p.Met181Ile). This variant is not present in population databases (gnomAD no frequency). This variant has not been reported in the literature in individuals affected with SLMAP-related conditions. An algorithm developed to predict the effect of missense changes on protein structure and function (PolyPhen-2) suggests that this variant is likely to be tolerated. In summary, the available evidence is currently insufficient to determine the role of this variant in disease. Therefore, it has been classified as a Variant of Uncertain Significance.